The following is an entry in ClinVar:

ClinVar aggregate classification (germline): Likely benign. Review status: criteria provided, multiple submitters, no conflicts (2 of 4 stars). 2 submissions from 2 submitters: Likely benign (2). Last evaluated 2026-04-22.

Conditions:
PRX-related disorder. Also called: PRX-related condition; PRX-Related Disorders.
Charcot-Marie-Tooth disease type 4. Also called: Charcot-Marie-Tooth disease, type IV; Charcot-Marie-Tooth, Type 4. Identifiers: Orphanet 64749, MedGen C4082197, MONDO:0018995.

Allele frequency attached by ClinVar (database versions not stated): gnomAD exomes 0.00001 and 0.00002; ExAC 0.00004; ESP Exome Variant Server 0.00008; gnomAD 0.00014 and 0.00015; TOPMed 0.00018.

Submissions (2):

PreventionGenetics, part of Exact Sciences
Classification: Likely benign for PRX-related condition. Last evaluated: 2026-04-22. Review status: criteria provided, single submitter. Criteria: ACMG Guidelines, 2015. Collection method: clinical testing. Allele origin: germline.
Comment: This variant is classified as likely benign based on ACMG/AMP sequence variant interpretation guidelines (Richards et al. 2015 PMID: 25741868, with internal and published modifications).

Labcorp Genetics (formerly Invitae), Labcorp
Classification: Likely benign for Charcot-Marie-Tooth disease type 4. Last evaluated: 2025-11-27. Review status: criteria provided, single submitter. Criteria: Invitae Variant Classification Sherloc (09022015). Collection method: clinical testing. Allele origin: germline.

NM_181882.3(PRX):c.3588A>G (p.Gly1196=)

Gene: PRX (periaxin; minus strand). Cytogenetic location: 19q13.2.
Variant type: single nucleotide variant.
Coding change: c.3588A>G on transcript NM_181882.3 (MANE Select); coding-DNA position 3588, A replaced by G.
Protein change: p.Gly1196=; no amino-acid change (glycine 1196 retained).
Molecular consequence: synonymous variant. On other transcripts: 3 prime UTR variant (1).
Genome position (GRCh38, 1-based): chr19:40,394,764, T>C on the plus strand (A>G on the coding strand, the complement: PRX is on the minus strand). VCF-style: chr19-40394764-T-C. GRCh37 (hg19) VCF-style: chr19-40900671-T-C.
Other names: c.*3793A>G (NM_020956.2).
Identifiers: ClinVar variation 696211 (VCV000696211.11), dbSNP rs372745419, ClinGen allele CA9443826.
Genomic context (GRCh38, chr19:40,394,764, plus strand): 5'-CACGGTGGGCATCTTAAAGACACCCTCACCCACCAGCAGCTCACCACCTGCAACCTGGGC[T>C]CCAGGCAGAGACAGGGTCACCTGGGGCACCTGAACCCTGTAGCCTGCTGTGCCCTCTGCT-3'
Protein context (NP_870998.2, residues 1186-1206): QVPQVTLSLP[Gly1196=]AQVAGGELLV